The following is an entry in ClinVar:

ClinVar aggregate classification (germline): Uncertain significance (1 of 4 stars; one submission).

Conditions:
Gorlin syndrome. Also called: Nevoid Basal Cell Carcinoma Syndrome; Basal cell nevus syndrome. Identifiers: Orphanet 377, MedGen C0004779, MONDO:0007187.

Allele frequency attached by ClinVar (database versions not stated): gnomAD 0.00003; TOPMed 0.00007; ESP Exome Variant Server 0.00015.
gnomAD v4.1: 15 of 1,610,896 alleles (0.00093%); highest among the groups gnomAD compares: African/African-American, 0.017%; no homozygotes.

Submission:

Labcorp Genetics (formerly Invitae), Labcorp
Classification: Uncertain significance for Gorlin syndrome. Last evaluated: 2022-06-20. Review status: criteria provided, single submitter. Criteria: Invitae Variant Classification Sherloc (09022015). Collection method: clinical testing. Allele origin: germline.
Comment: This sequence change replaces proline, which is neutral and non-polar, with arginine, which is basic and polar, at codon 209 of the PTCH2 protein (p.Pro209Arg). This variant is present in population databases (rs372348401, gnomAD 0.03%). This variant has not been reported in the literature in individuals affected with PTCH2-related conditions. ClinVar contains an entry for this variant (Variation ID: 524570). Algorithms developed to predict the effect of missense changes on protein structure and function (SIFT, PolyPhen-2, Align-GVGD) all suggest that this variant is likely to be tolerated. In summary, the available evidence is currently insufficient to determine the role of this variant in disease. Therefore, it has been classified as a Variant of Uncertain Significance.

NM_003738.5(PTCH2):c.626C>G (p.Pro209Arg)

Gene: PTCH2 (patched 2; minus strand). Cytogenetic location: 1p34.1.
Variant type: single nucleotide variant.
Coding change: c.626C>G on transcript NM_003738.5 (MANE Select); coding-DNA position 626, C replaced by G.
Protein change: p.Pro209Arg; replaces proline 209 with arginine.
Molecular consequence: missense variant.
Genome position (GRCh38, 1-based): chr1:44,831,035, G>C on the plus strand (C>G on the coding strand, the complement: PTCH2 is on the minus strand). VCF-style: chr1-44831035-G-C. GRCh37 (hg19) VCF-style: chr1-45296707-G-C.
Other names: c.626C>G, p.Pro209Arg (NM_001166292.2); short protein forms P209R.
Identifiers: ClinVar variation 524570 (VCV000524570.9), dbSNP rs372348401, ClinGen allele CA823559.